The following is an entry in ClinVar:

ClinVar aggregate classification (germline): Uncertain significance (1 of 4 stars; one submission).

Conditions:
Genitopatellar syndrome (GTPTS). Also called: Genitopatellar syndrome (GPS); ABSENT PATELLAE, SCROTAL HYPOPLASIA, RENAL ANOMALIES, FACIAL DYSMORPHISM, AND MENTAL RETARDATION. Identifiers: Orphanet 85201, MedGen C1853566, MONDO:0011640, OMIM 606170.

Submission:

Labcorp Genetics (formerly Invitae), Labcorp
Classification: Uncertain significance for Genitopatellar syndrome. Last evaluated: 2024-10-12. Review status: criteria provided, single submitter. Criteria: Invitae Variant Classification Sherloc (09022015). Collection method: clinical testing. Allele origin: germline.
Comment: This sequence change replaces methionine, which is neutral and non-polar, with isoleucine, which is neutral and non-polar, at codon 2046 of the KAT6B protein (p.Met2046Ile). This variant is not present in population databases (gnomAD no frequency). This variant has not been reported in the literature in individuals affected with KAT6B-related conditions. An algorithm developed to predict the effect of missense changes on protein structure and function (PolyPhen-2) suggests that this variant is likely to be tolerated. In summary, the available evidence is currently insufficient to determine the role of this variant in disease. Therefore, it has been classified as a Variant of Uncertain Significance.

NM_012330.4(KAT6B):c.6138G>A (p.Met2046Ile)

Gene: KAT6B (lysine acetyltransferase 6B; plus strand). Cytogenetic location: 10q22.2.
Variant type: single nucleotide variant.
Coding change: c.6138G>A on transcript NM_012330.4 (MANE Select); coding-DNA position 6138, G replaced by A.
Protein change: p.Met2046Ile; replaces methionine 2046 with isoleucine.
Molecular consequence: missense variant.
Genome position (GRCh38, 1-based): chr10:75,030,962, G>A. VCF-style: chr10-75030962-G-A. GRCh37 (hg19) VCF-style: chr10-76790720-G-A.
Other names: c.5589G>A, p.Met1863Ile (NM_001256468.2, NM_001370138.1); c.5262G>A, p.Met1754Ile (NM_001256469.2, NM_001370139.1, NM_001370140.1 and 2 more transcripts); c.5100G>A, p.Met1700Ile (NM_001370132.1); c.4449G>A, p.Met1483Ile (NM_001370133.1); c.4053G>A, p.Met1351Ile (NM_001370134.1); c.3795G>A, p.Met1265Ile (NM_001370135.1); c.6138G>A, p.Met2046Ile (NM_001370136.1, NM_001370137.1); c.5073G>A, p.Met1691Ile (NM_001370143.1, NM_001370144.1); short protein forms M1351I, M1700I, M1265I, M1483I, M1754I, M1691I, M1863I, M2046I.
Identifiers: ClinVar variation 3728563 (VCV003728563.2).